The following is an entry in ClinVar:

ClinVar aggregate classification (germline): Uncertain significance. Review status: criteria provided, multiple submitters, no conflicts (2 of 4 stars). 2 submissions from 2 submitters: Uncertain significance (2). Last evaluated 2025-10-29.

Conditions:
Dyskeratosis congenita, autosomal recessive 6 (DKCB6). Identifiers: MedGen C4225356, MONDO:0014600, OMIM 616353.
Pulmonary fibrosis and/or bone marrow failure, Telomere-related, 4. Also called: PULMONARY FIBROSIS AND/OR BONE MARROW FAILURE SYNDROME, TELOMERE-RELATED, 4. Identifiers: Orphanet 2032, MedGen C4225347, MONDO:0014612, OMIM 616371.

Allele frequency attached by ClinVar (database versions not stated): TOPMed 0.00001; gnomAD 0.00002; gnomAD exomes 0.00002; ExAC 0.00003; ESP Exome Variant Server 0.00008.
gnomAD v4.1: 28 of 1,611,340 alleles (0.0017%); highest among the groups gnomAD compares: Non-Finnish European, 0.002%; no homozygotes.

Submissions (2):

Labcorp Genetics (formerly Invitae), Labcorp
Classification: Uncertain significance for Dyskeratosis congenita, autosomal recessive 6; Pulmonary fibrosis and/or bone marrow failure, Telomere-related, 4. Last evaluated: 2025-10-29. Review status: criteria provided, single submitter. Criteria: Invitae Variant Classification Sherloc (09022015). Collection method: clinical testing. Allele origin: germline.
Comment: This sequence change replaces arginine, which is basic and polar, with tryptophan, which is neutral and slightly polar, at codon 505 of the PARN protein (p.Arg505Trp). This variant is present in population databases (rs375185166, gnomAD 0.004%). This variant has not been reported in the literature in individuals affected with PARN-related conditions. ClinVar contains an entry for this variant (Variation ID: 377216). Invitae Evidence Modeling of protein sequence and biophysical properties (such as structural, functional, and spatial information, amino acid conservation, physicochemical variation, residue mobility, and thermodynamic stability) indicates that this missense variant is expected to disrupt PARN protein function with a positive predictive value of 80%. In summary, the available evidence is currently insufficient to determine the role of this variant in disease. Therefore, it has been classified as a Variant of Uncertain Significance.

Center for Pediatric Genomic Medicine, Children's Mercy Hospital and Clinics
Classification: Uncertain significance. Last evaluated: 2016-11-02. Review status: criteria provided, single submitter. Criteria: ACMG Guidelines, 2015. Collection method: clinical testing. Allele origin: germline.
ClinVar note: Converted during submission from Uncertain Significance to Uncertain significance.

NM_002582.4(PARN):c.1513C>T (p.Arg505Trp)

Gene: PARN (poly(A)-specific ribonuclease; minus strand). Cytogenetic location: 16p13.12.
Variant type: single nucleotide variant.
Coding change: c.1513C>T on transcript NM_002582.4 (MANE Select); coding-DNA position 1513, C replaced by T.
Protein change: p.Arg505Trp; replaces arginine 505 with tryptophan.
Molecular consequence: missense variant.
Genome position (GRCh38, 1-based): chr16:14,482,795, G>A on the plus strand (C>T on the coding strand, the complement: PARN is on the minus strand). VCF-style: chr16-14482795-G-A. GRCh37 (hg19) VCF-style: chr16-14576652-G-A.
Other names: c.1513C>T, p.Arg505Trp (LRG_1286t1); c.1330C>T, p.Arg444Trp (NM_001134477.3); c.1375C>T, p.Arg459Trp (NM_001242992.2); short protein forms R505W, R459W, R444W.
Identifiers: ClinVar variation 377216 (VCV000377216.9), dbSNP rs375185166, ClinGen allele CA7911995.